The following is an entry in ClinVar:

NM_020975.6(RET):c.2480T>C (p.Leu827Pro)

Gene: RET (ret proto-oncogene; plus strand). Cytogenetic location: 10q11.21.
Variant type: single nucleotide variant.
Coding change: c.2480T>C on transcript NM_020975.6 (MANE Select); coding-DNA position 2480, T replaced by C.
Protein change: p.Leu827Pro; replaces leucine 827 with proline.
Molecular consequence: missense variant.
Genome position (GRCh38, 1-based): chr10:43,119,618, T>C. VCF-style: chr10-43119618-T-C. GRCh37 (hg19) VCF-style: chr10-43615066-T-C.
Other names: c.1754T>C, p.Leu585Pro (NM_001406777.1, NM_001406778.1, NM_001406775.1 and 1 more transcripts); c.1583T>C, p.Leu528Pro (NM_001406779.1, NM_001406780.1, NM_001406781.1 and 1 more transcripts); c.2480T>C, p.Leu827Pro (NM_000323.2, NM_001406743.1, NM_001406744.1 and 4 more transcripts); c.1718T>C, p.Leu573Pro (NM_001355216.2); c.2351T>C, p.Leu784Pro (NM_001406761.1, NM_001406762.1, NM_001406764.1); c.2345T>C, p.Leu782Pro (NM_001406763.1, NM_001406765.1); c.2192T>C, p.Leu731Pro (NM_001406766.1, NM_001406767.1, NM_001406770.1); c.2216T>C, p.Leu739Pro (NM_001406768.1); and 10 more; short protein forms L827P, L573P, L344P, L392P, L528P, L652P, L739P, L784P.
Identifiers: ClinVar variation 1521041 (VCV001521041.10), dbSNP rs2132945857, ClinGen allele CA376556329.

ClinVar aggregate classification (germline): Uncertain significance. Review status: criteria provided, multiple submitters, no conflicts (2 of 4 stars). 4 submissions from 4 submitters: Uncertain significance (4). Last evaluated 2024-05-01.

Conditions:
Hereditary cancer-predisposing syndrome. Also called: Hereditary neoplastic syndrome; Neoplastic Syndromes, Hereditary; Tumor predisposition; Hereditary Cancer Syndrome. Identifiers: Orphanet 140162, MedGen C0027672, MeSH D009386, MONDO:0015356.
Multiple endocrine neoplasia type 2B. Also called: WAGENMANN-FROBOESE SYNDROME; MULTIPLE ENDOCRINE NEOPLASIA, TYPE III; MEN 2B; Multiple endocrine neoplasia, type 3; MULTIPLE ENDOCRINE NEOPLASIA, TYPE IIB; MEN IIB. Identifiers: Orphanet 247709, Orphanet 653, MedGen C0025269, MeSH D018814, MONDO:0008082, OMIM 162300.
Multiple endocrine neoplasia type 2A. Also called: MULTIPLE ENDOCRINE NEOPLASIA, TYPE IIA; PTC SYNDROME; SIPPLE SYNDROME; MEN 2A; MEN-2A syndrome; Pheochromocytoma and amyloid producing medullary thyroid carcinoma. Identifiers: Orphanet 247698, Orphanet 653, MedGen C0025268, MeSH D018813, MONDO:0008234, OMIM 171400.
Pheochromocytoma. Also called: MAX-Related Hereditary Paraganglioma-Pheochromocytoma Syndrome. Identifiers: Orphanet 29072, MedGen C0031511, MONDO:0008233, OMIM 171300, HP:0002666.
Familial medullary thyroid carcinoma (MTC). Also called: Thyroid cancer, familial medullary; MTC, familial; Familial Medullary Thyroid Carcinoma (FMTC). Identifiers: Orphanet 653, Orphanet 99361, MedGen C1833921, MONDO:0007958, OMIM 155240.
Hirschsprung disease, susceptibility to, 1 (HSCR1). Also called: RET-Related Hirschsprung Disease. Identifiers: Orphanet 388, MedGen C3888239, MONDO:0007723, OMIM 142623.
Multiple endocrine neoplasia, type 2 (MEN2). Identifiers: Orphanet 653, MedGen C4048306, MONDO:0019003. Disease mechanism: gain of function.

gnomAD v4.1: 1 of 1,612,908 alleles (0.000062%); no homozygotes.

Submissions (4):

Ambry Genetics
Classification: Uncertain significance for Hereditary cancer-predisposing syndrome. Last evaluated: 2024-05-01. Review status: criteria provided, single submitter. Criteria: Ambry Variant Classification Scheme 2023. Collection method: clinical testing. Allele origin: germline.
Comment: The p.L827P variant (also known as c.2480T>C), located in coding exon 14 of the RET gene, results from a T to C substitution at nucleotide position 2480. The leucine at codon 827 is replaced by proline, an amino acid with similar properties. This amino acid position is conserved. In addition, this alteration is predicted to be tolerated by in silico analysis. Based on the available evidence, the clinical significance of this variant remains unclear.

Baylor Genetics
Classification: Uncertain significance for Hirschsprung disease, susceptibility to, 1. Last evaluated: 2023-10-19. Review status: criteria provided, single submitter. Criteria: ACMG Guidelines, 2015. Collection method: clinical testing. Allele origin: unknown.

Labcorp Genetics (formerly Invitae), Labcorp
Classification: Uncertain significance for Multiple endocrine neoplasia, type 2. Last evaluated: 2022-03-18. Review status: criteria provided, single submitter. Criteria: Invitae Variant Classification Sherloc (09022015). Collection method: clinical testing. Allele origin: germline.
Comment: In summary, the available evidence is currently insufficient to determine the role of this variant in disease. Therefore, it has been classified as a Variant of Uncertain Significance. Algorithms developed to predict the effect of missense changes on protein structure and function are either unavailable or do not agree on the potential impact of this missense change (SIFT: "Deleterious"; PolyPhen-2: "Benign"; Align-GVGD: "Class C0"). This variant has not been reported in the literature in individuals affected with RET-related conditions. This variant is not present in population databases (gnomAD no frequency). This sequence change replaces leucine, which is neutral and non-polar, with proline, which is neutral and non-polar, at codon 827 of the RET protein (p.Leu827Pro).

Fulgent Genetics
Classification: Uncertain significance for Hirschsprung disease, susceptibility to, 1; Familial medullary thyroid carcinoma; Multiple endocrine neoplasia type 2B; Pheochromocytoma; Multiple endocrine neoplasia type 2A. Last evaluated: 2022-01-20. Review status: criteria provided, single submitter. Criteria: ACMG Guidelines, 2015. Collection method: clinical testing. Allele origin: unknown.